The following is an entry in ClinVar:

ClinVar aggregate classification (germline): Benign (1 of 4 stars; one submission).

Conditions:
Leigh syndrome (NULS). Also called: Leigh's necrotizing encephalopathy; Leigh's disease; Leigh Syndrome (mtDNA deletion); Leigh Disease; Subacute necrotizing encephalopathy; Necrotizing encephalopathy infantile subacute of Leigh. Identifiers: Orphanet 506, MedGen C2931891, MONDO:0009723, OMIM 256000.

Submission:

Wong Mito Lab, Molecular and Human Genetics, Baylor College of Medicine
Classification: Benign for Leigh syndrome. Last evaluated: 2019-10-17. Review status: criteria provided, single submitter. Criteria: Modified ACMG Guidelines (Unpublished). Collection method: clinical testing. Allele origin: germline.
Comment: The NC_012920.1:m.7757G>A (YP_003024029.1:p.Ala58Thr) variant in MTCO2 gene is interpretated to be a Benign variant based on the modified ACMG guidelines (unpublished). This variant meets the following evidence codes: BS1, BS2

NC_012920.1(MT-CO2):m.7757G>A

Gene: MT-CO2 (mitochondrially encoded cytochrome c oxidase II; plus strand).
Variant type: single nucleotide variant.
Genome position: chrM-7757-G-A.
Identifiers: ClinVar variation 692771 (VCV000692771.1), dbSNP rs1603221120, ClinGen allele CA414793592.
Genomic context (GRCh38, chrMT:7,757, plus strand): 5'-GTCCTGTATGCCCTTTTCCTAACACTCACAACAAAACTAACTAATACTAACATCTCAGAC[G>A]CTCAGGAAATAGAAACCGTCTGAACTATCCTGCCCGCCATCATCCTAGTCCTCATCGCCC-3'